The following is an entry in ClinVar:

ClinVar aggregate classification (germline): Uncertain significance (1 of 4 stars; one submission).

Allele frequency attached by ClinVar (database versions not stated): gnomAD exomes 0.00001 and 0.00002; TOPMed 0.00001; ExAC 0.00002.
gnomAD v4.1: 18 of 1,614,062 alleles (0.0011%); highest among the groups gnomAD compares: Admixed American, 0.0033%; no homozygotes.

Submission:

Labcorp Genetics (formerly Invitae), Labcorp
Classification: Uncertain significance. Last evaluated: 2021-10-08. Review status: criteria provided, single submitter. Criteria: Invitae Variant Classification Sherloc (09022015). Collection method: clinical testing. Allele origin: germline.
Comment: In summary, the available evidence is currently insufficient to determine the role of this variant in disease. Therefore, it has been classified as a Variant of Uncertain Significance. Algorithms developed to predict the effect of sequence changes on RNA splicing suggest that this variant may create or strengthen a splice site. Algorithms developed to predict the effect of missense changes on protein structure and function (SIFT, PolyPhen-2, Align-GVGD) all suggest that this variant is likely to be tolerated. This variant has not been reported in the literature in individuals affected with LAMA1-related conditions. This variant is present in population databases (rs747274645, ExAC 0.009%). This sequence change replaces glycine with arginine at codon 2299 of the LAMA1 protein (p.Gly2299Arg). The glycine residue is weakly conserved and there is a moderate physicochemical difference between glycine and arginine.

NM_005559.4(LAMA1):c.6895G>A (p.Gly2299Arg)

Gene: LAMA1 (laminin subunit alpha 1; minus strand). Cytogenetic location: 18p11.31.
Variant type: single nucleotide variant.
Coding change: c.6895G>A on transcript NM_005559.4 (MANE Select); coding-DNA position 6895, G replaced by A.
Protein change: p.Gly2299Arg; replaces glycine 2299 with arginine.
Molecular consequence: missense variant.
Genome position (GRCh38, 1-based): chr18:6,971,861, C>T on the plus strand (G>A on the coding strand, the complement: LAMA1 is on the minus strand). VCF-style: chr18-6971861-C-T. GRCh37 (hg19) VCF-style: chr18-6971860-C-T.
Other names: short protein forms G2299R.
Identifiers: ClinVar variation 1514514 (VCV001514514.4), dbSNP rs747274645, ClinGen allele CA8881094.